The following is an entry in ClinVar:

ClinVar aggregate classification (germline): Uncertain significance. Review status: criteria provided, multiple submitters, no conflicts (2 of 4 stars). 3 submissions from 3 submitters: Uncertain significance (3). Last evaluated 2024-07-17.

Conditions:
Hereditary cancer-predisposing syndrome. Also called: Neoplastic Syndromes, Hereditary; Tumor predisposition; Hereditary Cancer Syndrome; Hereditary neoplastic syndrome. Identifiers: Orphanet 140162, MedGen C0027672, MeSH D009386, MONDO:0015356.
Familial cancer of breast. Also called: BREAST CANCER, FAMILIAL; hereditary breast carcinoma; Hereditary breast cancer. Identifiers: Orphanet 227535, MedGen C0346153, MONDO:0016419, OMIM 114480. Disease mechanism: loss of function.

Submissions (3):

Ambry Genetics
Classification: Uncertain significance for Hereditary cancer-predisposing syndrome. Last evaluated: 2024-07-17. Review status: criteria provided, single submitter. Criteria: Ambry Variant Classification Scheme 2023. Collection method: clinical testing. Allele origin: germline.
Comment: The c.52_84del33 variant (also known as p.C18_S28del) is located in coding exon 1 of the CHEK2 gene. This variant results from an in-frame deletion of 33 nucleotides at nucleotide positions 52 to 84. This results in the in-frame deletion of 11 residues at codons 18 to 28. This amino acid region is not well conserved in available vertebrate species. In addition, the in silico prediction for this alteration is inconclusive (Choi Y et al. PLoS ONE. 2012; 7(10):e46688). Based on the available evidence, the clinical significance of this variant remains unclear.

Labcorp Genetics (formerly Invitae), Labcorp
Classification: Uncertain significance for Familial cancer of breast. Last evaluated: 2024-02-09. Review status: criteria provided, single submitter. Criteria: Invitae Variant Classification Sherloc (09022015). Collection method: clinical testing. Allele origin: germline.
Comment: This variant, c.52_84del, results in the deletion of 11 amino acid(s) of the CHEK2 protein (p.Cys18_Ser28del), but otherwise preserves the integrity of the reading frame. This variant is present in population databases (no rsID available, gnomAD 0.007%). This variant has not been reported in the literature in individuals affected with CHEK2-related conditions. ClinVar contains an entry for this variant (Variation ID: 230943). Experimental studies and prediction algorithms are not available or were not evaluated, and the functional significance of this variant is currently unknown. In summary, the available evidence is currently insufficient to determine the role of this variant in disease. Therefore, it has been classified as a Variant of Uncertain Significance.

GeneDx
Classification: Uncertain significance. Last evaluated: 2021-04-12. Review status: criteria provided, single submitter. Criteria: GeneDx Variant Classification Process June 2021. Collection method: clinical testing. Allele origin: germline. Affected: yes.
Comment: Not observed at a significant frequency in large population cohorts (Lek 2016); In-frame deletion of 11 amino acids in a non-repeat region; In silico analysis supports a deleterious effect on protein structure/function

NM_007194.4(CHEK2):c.52_84del (p.Cys18_Ser28del)

Gene: CHEK2 (checkpoint kinase 2; minus strand). Cytogenetic location: 22q12.1.
Variant type: Deletion.
Coding change: c.52_84del on transcript NM_007194.4 (MANE Select); coding-DNA positions 52 to 84, 33 bases deleted.
Protein change: p.Cys18_Ser28del.
Molecular consequence: inframe deletion. On other transcripts: inframe indel (3).
Genome position (GRCh38, 1-based): chr22:28,734,638-28,734,670, 33 bases deleted; deleting any 33 consecutive bases within chr22:28,734,638-28,734,672 gives the same sequence; the c. name uses the placement nearest the transcript's 3' end. GRCh37 (hg19): chr22:29,130,628-29,130,660.
Other names: c.52_84del (NM_007194.3); c.50_82del33, p.Cys18_Ser28del (NM_001005735.3, NM_001349956.3, NM_145862.3); c.-728_-696del33 (NM_001257387.3).
Identifiers: ClinVar variation 230943 (VCV000230943.18), dbSNP rs876658857, ClinGen allele CA10581116.
Genomic context (GRCh38, chr22:28,734,637, plus strand): 5'-AGTTTGGCATCGTGCTGGTAGAGGAGCTGGATATGCCCTGGGACTGTGAGGAGGAGCCTT[GGGACTGGGTAACGCTGCCATGGGGCTGTGAACA>G]GGCACTGCTGCCATGAGACTGCTGAGCCTCAACATCCGACTCCCGAGACATCACGACCTC-3'